The following is an entry in ClinVar:

ClinVar aggregate classification (germline): Uncertain significance (1 of 4 stars; one submission).

Conditions:
Inborn genetic diseases. Identifiers: MedGen C0950123, MeSH D030342.

gnomAD v4.1: 1 of 1,609,530 alleles (0.000062%); highest among the groups gnomAD compares: Non-Finnish European, 0.000085%; no homozygotes.

Submission:

Ambry Genetics
Classification: Uncertain significance for Inborn genetic diseases. Last evaluated: 2025-09-14. Review status: criteria provided, single submitter. Criteria: Ambry Variant Classification Scheme 2023. Collection method: clinical testing. Allele origin: germline.
Comment: The p.I259M variant (also known as c.777T>G), located in coding exon 4 of the FANCM gene, results from a T to G substitution at nucleotide position 777. The isoleucine at codon 259 is replaced by methionine, an amino acid with highly similar properties. This amino acid position is conserved. In addition, this alteration is predicted to be tolerated by in silico analysis. Based on the available evidence, the clinical significance of this variant remains unclear.

NM_020937.4(FANCM):c.777T>G (p.Ile259Met)

Gene: FANCM (FA complementation group M; plus strand). Cytogenetic location: 14q21.2.
Variant type: single nucleotide variant.
Coding change: c.777T>G on transcript NM_020937.4 (MANE Select); coding-DNA position 777, T replaced by G.
Protein change: p.Ile259Met; replaces isoleucine 259 with methionine.
Molecular consequence: missense variant.
Genome position (GRCh38, 1-based): chr14:45,148,854, T>G. VCF-style: chr14-45148854-T-G. GRCh37 (hg19) VCF-style: chr14-45618057-T-G.
Other names: c.699T>G, p.Ile233Met (NM_001308133.2); c.777T>G, p.Ile259Met (NM_001308134.2); short protein forms I233M, I259M.
Identifiers: ClinVar variation 4254758 (VCV004254758.1).